The following is an entry in ClinVar:

ClinVar aggregate classification (germline): Uncertain significance (1 of 4 stars; one submission).

Conditions:
Gastrointestinal stromal tumor. Also called: Gastrointestinal stromal tumor, somatic; Gastrointestinal stroma tumor. Identifiers: Orphanet 44890, MedGen C0238198, MeSH D046152, MONDO:0011719, OMIM 606764, HP:0100723.

Submission:

Labcorp Genetics (formerly Invitae), Labcorp
Classification: Uncertain significance for Gastrointestinal stromal tumor. Last evaluated: 2020-10-22. Review status: criteria provided, single submitter. Criteria: Invitae Variant Classification Sherloc (09022015). Collection method: clinical testing. Allele origin: germline.
Comment: Algorithms developed to predict the effect of missense changes on protein structure and function (SIFT, PolyPhen-2, Align-GVGD) all suggest that this variant is likely to be disruptive, but these predictions have not been confirmed by published functional studies and their clinical significance is uncertain. In summary, the available evidence is currently insufficient to determine the role of this variant in disease. Therefore, it has been classified as a Variant of Uncertain Significance. This variant has not been reported in the literature in individuals with KIT-related conditions. This variant is not present in population databases (ExAC no frequency). This sequence change replaces lysine with glutamic acid at codon 626 of the KIT protein (p.Lys626Glu). The lysine residue is highly conserved and there is a small physicochemical difference between lysine and glutamic acid.

NM_000222.3(KIT):c.1876A>G (p.Lys626Glu)

Gene: KIT (KIT proto-oncogene, receptor tyrosine kinase; plus strand). Cytogenetic location: 4q12.
Variant type: single nucleotide variant.
Coding change: c.1876A>G on transcript NM_000222.3 (MANE Select); coding-DNA position 1876, A replaced by G.
Protein change: p.Lys626Glu; replaces lysine 626 with glutamic acid.
Molecular consequence: missense variant.
Genome position (GRCh38, 1-based): chr4:54,727,924, A>G. VCF-style: chr4-54727924-A-G. GRCh37 (hg19) VCF-style: chr4-55594090-A-G.
Other names: c.1864A>G, p.Lys622Glu (NM_001093772.2, NM_001385286.1); c.1879A>G, p.Lys627Glu (NM_001385284.1, NM_001385290.1); c.1876A>G, p.Lys626Glu (NM_001385285.1); c.1867A>G, p.Lys623Glu (NM_001385288.1, NM_001385292.1); short protein forms K622E, K623E, K626E, K627E.
Identifiers: ClinVar variation 1013728 (VCV001013728.9), dbSNP rs1722343399, ClinGen allele CA356908282.
Genomic context (GRCh38, chr4:54,727,924, plus strand): 5'-GCAACTGCTTATGGCTTAATTAAGTCAGATGCGGCCATGACTGTCGCTGTAAAGATGCTC[A>G]AGCGTAAGTTCCTGTATGGTACTGCATGCGCTTGACATCAGTTTGCCAGTTGTGCTTTTT-3'
Protein context (NP_000213.1, residues 616-636): AAMTVAVKML[Lys626Glu]PSAHLTEREA